The following is an entry in ClinVar:

NM_001370259.2(MEN1):c.1203T>C (p.Gly401=)

Gene: MEN1 (menin 1; minus strand). Cytogenetic location: 11q13.1.
Variant type: single nucleotide variant.
Coding change: c.1203T>C on transcript NM_001370259.2 (MANE Select); coding-DNA position 1203, T replaced by C.
Protein change: p.Gly401=; no amino-acid change (glycine 401 retained).
Molecular consequence: synonymous variant.
Genome position (GRCh38, 1-based): chr11:64,805,181, A>G on the plus strand (T>C on the coding strand, the complement: MEN1 is on the minus strand). VCF-style: chr11-64805181-A-G. GRCh37 (hg19) VCF-style: chr11-64572653-A-G.
Other names: c.1218T>C, p.Gly406= (NM_000244.4, NM_130800.3, NM_130801.3 and 3 more transcripts); c.1329T>C, p.Gly443= (NM_001370251.2); c.1203T>C, p.Gly401= (NM_001370260.2, NM_001370261.2, NM_130799.3); c.1098T>C, p.Gly366= (NM_001370262.2, NM_001370263.2).
Identifiers: ClinVar variation 241798 (VCV000241798.15), dbSNP rs878855187, ClinGen allele CA10582932.
Genomic context (GRCh38, chr11:64,805,181, plus strand): 5'-GCAGATGCCGTCGTAGAATCGCAGCAGGTGGGCGAAGCACTCAGGGTCCTGGAGGGCGGA[A>G]CCTTGGCTCTGGGTGCCCTGGACGAGGGGGAAGGGAGGGCACAGATCAGTCTCTTACTCA-3'
Protein context (NP_001357188.2, residues 391-411): GEQSQGTQSQ[Gly401=]SALQDPECFA

ClinVar aggregate classification (germline): Benign/Likely benign. Review status: criteria provided, multiple submitters, no conflicts (2 of 4 stars). 4 submissions from 4 submitters: Benign (1); Likely benign (3). Last evaluated 2025-07-31.

Conditions:
Hereditary cancer-predisposing syndrome. Also called: Neoplastic Syndromes, Hereditary; Tumor predisposition; Hereditary neoplastic syndrome; Hereditary Cancer Syndrome. Identifiers: Orphanet 140162, MedGen C0027672, MeSH D009386, MONDO:0015356.
Multiple endocrine neoplasia, type 1 (MEN1). Also called: MEN I; WERMER SYNDROME; Endocrine adenomatosis multiple; MEN 1; MEA I. Identifiers: Orphanet 652, MedGen C0025267, MeSH D018761, MONDO:0007540, OMIM 131100.

Allele frequency attached by ClinVar (database versions not stated): gnomAD exomes below 0.00001; TOPMed below 0.00001.

Submissions (4):

Labcorp Genetics (formerly Invitae), Labcorp
Classification: Likely benign for Multiple endocrine neoplasia, type 1. Last evaluated: 2025-07-31. Review status: criteria provided, single submitter. Criteria: Invitae Variant Classification Sherloc (09022015). Collection method: clinical testing. Allele origin: germline.

Myriad Genetics, Inc.
Classification: Benign for Multiple endocrine neoplasia, type 1. Last evaluated: 2024-11-05. Review status: criteria provided, single submitter. Criteria: Myriad Autosomal Dominant, Autosomal Recessive and X-Linked Classification Criteria (2023). Collection method: clinical testing. Allele origin: unknown.
Comment: This variant is considered benign. This variant is a silent/synonymous amino acid change and it is not expected to impact splicing.

All of Us Research Program, National Institutes of Health
Classification: Likely benign for Multiple endocrine neoplasia, type 1. Last evaluated: 2023-12-13. Review status: criteria provided, single submitter. Criteria: ACMG Guidelines, 2015. Collection method: clinical testing. Allele origin: germline. Inheritance: Autosomal dominant inheritance. Observed: 1 variant allele, 1 heterozygote.
Comment: This study involves interpretation of variants in research participants for the purpose of population health screening. Participant phenotype was not available at the time of variant classification. Additional details can be found in publication PMID: 35346344, PMCID: PMC8962531

Ambry Genetics
Classification: Likely benign for Hereditary cancer-predisposing syndrome. Last evaluated: 2023-01-28. Review status: criteria provided, single submitter. Criteria: Ambry Variant Classification Scheme 2023. Collection method: clinical testing. Allele origin: germline.